The following is an entry in ClinVar:

NM_007118.4(TRIO):c.4314G>A (p.Glu1438=)

Gene: TRIO (trio Rho guanine nucleotide exchange factor; plus strand). Cytogenetic location: 5p15.2.
Variant type: single nucleotide variant.
Coding change: c.4314G>A on transcript NM_007118.4 (MANE Select); coding-DNA position 4314, G replaced by A.
Protein change: p.Glu1438=; no amino-acid change (glutamic acid 1438 retained).
Molecular consequence: synonymous variant. On other transcripts: non-coding transcript variant (1).
Genome position (GRCh38, 1-based): chr5:14,397,045, G>A. VCF-style: chr5-14397045-G-A. GRCh37 (hg19) VCF-style: chr5-14397154-G-A.
Identifiers: ClinVar variation 2655328 (VCV002655328.24), dbSNP rs1461444156, ClinGen allele CA443279033.
Genomic context (GRCh38, chr5:14,397,045, plus strand): 5'-GTCTTATTGGCAGAGCATTCTGCAGTCTTTACCTAGTTTCTGTTGTTTATCTTTGCAGGA[G>A]CTGCTGACGTGCTGTGAGGAAGGAAAGGGAGAGATTAAAGATGGCCTGGAGGTGATGCTC-3'
Protein context (NP_009049.2, residues 1428-1448): RITKYQLLLK[Glu1438=]LLTCCEEGKG

ClinVar aggregate classification (germline): Likely benign (1 of 4 stars; one submission).

Allele frequency attached by ClinVar (database versions not stated): TOPMed below 0.00001; gnomAD 0.00001; gnomAD exomes 0.00001.
gnomAD v4.1: 7 of 1,601,078 alleles (0.00044%); highest among the groups gnomAD compares: Non-Finnish European, 0.0006%; no homozygotes.

Submission:

CeGaT Center for Human Genetics Tuebingen
Classification: Likely benign. Last evaluated: 2022-07-01. Review status: criteria provided, single submitter. Criteria: CeGaT Center For Human Genetics Tuebingen Variant Classification Criteria Version 2. Collection method: clinical testing. Allele origin: germline. Affected: yes. Observed: 1 variant allele.
Comment: TRIO: BP4, BP7